The following is an entry in ClinVar:

ClinVar aggregate classification (germline): Uncertain significance (1 of 4 stars; one submission).

Conditions:
Myofibrillar myopathy 5. Also called: Filaminopathy (type); FILAMINOPATHY, AUTOSOMAL DOMINANT. Identifiers: Orphanet 171445, MedGen C1836050, MONDO:0012289, OMIM 609524.
Distal myopathy with posterior leg and anterior hand involvement. Also called: WILLIAMS DISTAL MYOPATHY. Identifiers: Orphanet 63273, MedGen C3279722, MONDO:0013550, OMIM 614065.
Hypertrophic cardiomyopathy 26. Also called: Cardiomyopathy, familial hypertrophic, 26. Identifiers: Orphanet 75249, MedGen C4310749, MONDO:0014883, OMIM 617047.

Submission:

Labcorp Genetics (formerly Invitae), Labcorp
Classification: Uncertain significance for Distal myopathy with posterior leg and anterior hand involvement; Myofibrillar myopathy 5; Hypertrophic cardiomyopathy 26. Last evaluated: 2022-07-31. Review status: criteria provided, single submitter. Criteria: Invitae Variant Classification Sherloc (09022015). Collection method: clinical testing. Allele origin: germline.
Comment: In summary, the available evidence is currently insufficient to determine the role of this variant in disease. Therefore, it has been classified as a Variant of Uncertain Significance. Algorithms developed to predict the effect of missense changes on protein structure and function are either unavailable or do not agree on the potential impact of this missense change (SIFT: "Tolerated"; PolyPhen-2: "Probably Damaging"; Align-GVGD: "Class C0"). This variant has not been reported in the literature in individuals affected with FLNC-related conditions. This variant is not present in population databases (gnomAD no frequency). This sequence change replaces glutamic acid, which is acidic and polar, with aspartic acid, which is acidic and polar, at codon 2612 of the FLNC protein (p.Glu2612Asp).

NM_001458.5(FLNC):c.7836G>C (p.Glu2612Asp)

Genes: FLNC-AS1 (FLNC antisense RNA 1; minus strand), FLNC (filamin C; plus strand). Cytogenetic location: 7q32.1.
Variant type: single nucleotide variant.
Coding change: c.7836G>C on transcript NM_001458.5 (MANE Select); coding-DNA position 7836, G replaced by C.
Protein change: p.Glu2612Asp; replaces glutamic acid 2612 with aspartic acid.
Molecular consequence: missense variant.
Genome position (GRCh38, 1-based): chr7:128,858,063, G>C. VCF-style: chr7-128858063-G-C. GRCh37 (hg19) VCF-style: chr7-128498117-G-C.
Other names: c.7737G>C, p.Glu2579Asp (NM_001127487.2); short protein forms E2579D, E2612D.
Identifiers: ClinVar variation 1714613 (VCV001714613.6), dbSNP rs2536672878, ClinGen allele CA369220128.